The following is an entry in ClinVar:

NM_001009999.3(KDM1A):c.2390_2391del (p.Asp796_Tyr797insTer)

Gene: KDM1A (lysine demethylase 1A; plus strand). Cytogenetic location: 1p36.12.
Variant type: Deletion.
Coding change: c.2390_2391del on transcript NM_001009999.3 (MANE Select); coding-DNA positions 2390 to 2391, 2 bases deleted (AT; older notation c.2390_2391delAT).
Protein change: p.Asp796_Tyr797insTer.
Molecular consequence: nonsense.
Genome position (GRCh38, 1-based): chr1:23,082,311-23,082,312, AT deleted; deleting any 2 consecutive bases within chr1:23,082,310-23,082,312 gives the same sequence; the c. name uses the placement nearest the transcript's 3' end. VCF-style (leftmost placement, unchanged base first): chr1-23082309-CTA-C. GRCh37 (hg19) VCF-style: chr1-23408802-CTA-C.
Other names: c.2336_2337del, p.Asp778_Tyr779insTer (NM_001363654.2); c.2396_2397del, p.Asp798_Tyr799insTer (NM_001410762.1); c.2318_2319del, p.Asp772_Tyr773insTer (NM_001410763.1, NM_015013.4).
Identifiers: ClinVar variation 2574286 (VCV002574286.1), dbSNP rs2522818522, ClinGen allele CA2580612923.

ClinVar aggregate classification (germline): Uncertain significance (1 of 4 stars; one submission).

Submission:

GeneDx
Classification: Uncertain significance. Last evaluated: 2023-01-18. Review status: criteria provided, single submitter. Criteria: GeneDx Variant Classification Process June 2021. Collection method: clinical testing. Allele origin: germline. Affected: yes.
Comment: Nonsense variant predicted to result in protein truncation as the last 80 amino acids are lost; Not observed at significant frequency in large population cohorts (gnomAD); Has not been previously published as pathogenic or benign to our knowledge